The following is an entry in ClinVar:

ClinVar aggregate classification (germline): Uncertain significance (1 of 4 stars; one submission).

Conditions:
Rienhoff syndrome. Also called: LOEYS-DIETZ SYNDROME 5. Identifiers: MedGen C3810012, MONDO:0014262, OMIM 615582.

Submission:

Labcorp Genetics (formerly Invitae), Labcorp
Classification: Uncertain significance for Rienhoff syndrome. Last evaluated: 2025-02-27. Review status: criteria provided, single submitter. Criteria: Invitae Variant Classification Sherloc (09022015). Collection method: clinical testing. Allele origin: germline.
Comment: This sequence change replaces glutamine, which is neutral and polar, with histidine, which is basic and polar, at codon 68 of the TGFB3 protein (p.Gln68His). This variant is not present in population databases (gnomAD no frequency). This variant has not been reported in the literature in individuals affected with TGFB3-related conditions. Invitae Evidence Modeling of protein sequence and biophysical properties (such as structural, functional, and spatial information, amino acid conservation, physicochemical variation, residue mobility, and thermodynamic stability) indicates that this missense variant is not expected to disrupt TGFB3 protein function with a negative predictive value of 80%. In summary, the available evidence is currently insufficient to determine the role of this variant in disease. Therefore, it has been classified as a Variant of Uncertain Significance.

NM_003239.5(TGFB3):c.204G>T (p.Gln68His)

Gene: TGFB3 (transforming growth factor beta 3; minus strand). Cytogenetic location: 14q24.3.
Variant type: single nucleotide variant.
Coding change: c.204G>T on transcript NM_003239.5 (MANE Select); coding-DNA position 204, G replaced by T.
Protein change: p.Gln68His; replaces glutamine 68 with histidine.
Molecular consequence: missense variant.
Genome position (GRCh38, 1-based): chr14:75,980,690, C>A on the plus strand (G>T on the coding strand, the complement: TGFB3 is on the minus strand). VCF-style: chr14-75980690-C-A. GRCh37 (hg19) VCF-style: chr14-76447033-C-A.
Other names: c.204G>T, p.Gln68His (NM_001329938.2, NM_001329939.2); short protein forms Q68H.
Identifiers: ClinVar variation 3665461 (VCV003665461.2).